The following is an entry in ClinVar:

NM_020631.6(PLEKHG5):c.2249+1G>A

Gene: PLEKHG5 (pleckstrin homology and RhoGEF domain containing G5; minus strand). Cytogenetic location: 1p36.31.
Variant type: single nucleotide variant.
Coding change: c.2249+1G>A on transcript NM_020631.6 (MANE Select); the canonical splice donor site of the intron after coding-DNA position 2249, G replaced by A.
Molecular consequence: splice donor variant.
Genome position (GRCh38, 1-based): chr1:6,469,041, C>T on the plus strand (G>A on the coding strand, the complement: PLEKHG5 is on the minus strand). VCF-style: chr1-6469041-C-T. GRCh37 (hg19) VCF-style: chr1-6529101-C-T.
Other names: c.2249+1G>A (NM_198681.4, NM_001265594.3, NM_001042664.2 and 1 more transcripts); c.2360+1G>A (NM_001042663.3, NM_001265592.2); c.2456+1G>A (NM_001265593.2).
Identifiers: ClinVar variation 2950699 (VCV002950699.3), dbSNP rs1440168275, ClinGen allele CA338117910.

ClinVar aggregate classification (germline): Likely pathogenic (1 of 4 stars; one submission).

Conditions:
Charcot-Marie-Tooth disease recessive intermediate C. Also called: CHARCOT-MARIE-TOOTH NEUROPATHY, RECESSIVE INTERMEDIATE C. Identifiers: Orphanet 369867, MedGen C3809309, MONDO:0014154, OMIM 615376.
Neuronopathy, distal hereditary motor, autosomal recessive 4. Also called: NEUROPATHY, DISTAL HEREDITARY MOTOR, AUTOSOMAL RECESSIVE 4; Autosomal recessive lower motor neuron disease with childhood onset. Identifiers: Orphanet 206580, MedGen C1970211, MONDO:0012608, OMIM 611067.

Submission:

Labcorp Genetics (formerly Invitae), Labcorp
Classification: Likely pathogenic for Neuronopathy, distal hereditary motor, autosomal recessive 4; Charcot-Marie-Tooth disease recessive intermediate C. Last evaluated: 2023-08-05. Review status: criteria provided, single submitter. Criteria: Invitae Variant Classification Sherloc (09022015). Collection method: clinical testing. Allele origin: germline.
Comment: In summary, the currently available evidence indicates that the variant is pathogenic, but additional data are needed to prove that conclusively. Therefore, this variant has been classified as Likely Pathogenic. Algorithms developed to predict the effect of sequence changes on RNA splicing suggest that this variant may disrupt the consensus splice site. This variant has not been reported in the literature in individuals affected with PLEKHG5-related conditions. This variant is not present in population databases (gnomAD no frequency). This sequence change affects a donor splice site in intron 19 of the PLEKHG5 gene. It is expected to disrupt RNA splicing. Variants that disrupt the donor or acceptor splice site typically lead to a loss of protein function (PMID: 16199547), and loss-of-function variants in PLEKHG5 are known to be pathogenic (PMID: 17564964, 23777631).

Literature cited by the submitters: PubMed 16199547; PubMed 17564964; PubMed 23777631.